The following is an entry in ClinVar:

ClinVar aggregate classification (germline): Uncertain significance (1 of 4 stars; one submission).

Conditions:
Dilated cardiomyopathy 1G (CMD1G). Identifiers: Orphanet 154, MedGen C1858763, MONDO:0011400, OMIM 604145.
Autosomal recessive limb-girdle muscular dystrophy type 2J (LGMDR10). Also called: MUSCULAR DYSTROPHY, LIMB-GIRDLE, AUTOSOMAL RECESSIVE 10; Limb-girdle muscular dystrophy, type 2J. Identifiers: Orphanet 140922, MedGen C1837342, MONDO:0012127, OMIM 608807.

Allele frequency attached by ClinVar (database versions not stated): gnomAD exomes below 0.00001.
gnomAD v4.1: 1 of 1,602,570 alleles (0.000062%); highest among the groups gnomAD compares: Non-Finnish European, 0.000085%; no homozygotes.

Submission:

Labcorp Genetics (formerly Invitae), Labcorp
Classification: Uncertain significance for Dilated cardiomyopathy 1G; Limb-girdle muscular dystrophy, type 2J. Last evaluated: 2019-02-20. Review status: criteria provided, single submitter. Criteria: Invitae Variant Classification Sherloc (09022015). Collection method: clinical testing. Allele origin: germline.
Comment: This sequence change replaces glycine with arginine at codon 35499 of the TTN protein (p.Gly35499Arg). There is a moderate physicochemical difference between glycine and arginine. This variant is not present in population databases (ExAC no frequency). This variant has not been reported in the literature in individuals with TTN-related conditions. This variant is located in the M band of TTN (PMID: 25589632). Variants in this region may be relevant for neuromuscular disorders, but have not been definitively shown to cause cardiomyopathy (PMID: 23975875). Algorithms developed to predict the effect of missense changes on protein structure and function are unavailable for the TTN gene. In summary, the available evidence is currently insufficient to determine the role of this variant in disease. Therefore, it has been classified as a Variant of Uncertain Significance.

Literature cited by the submitters: PubMed 23975875; PubMed 25589632.

NM_001267550.2(TTN):c.106495G>A (p.Gly35499Arg)

Genes: TTN (titin; minus strand), TTN-AS1 (TTN antisense RNA 1; plus strand). Cytogenetic location: 2q31.2.
Variant type: single nucleotide variant.
Coding change: c.106495G>A on transcript NM_001267550.2 (MANE Select); coding-DNA position 106495, G replaced by A.
Protein change: p.Gly35499Arg; replaces glycine 35499 with arginine.
Molecular consequence: missense variant.
Genome position (GRCh38, 1-based): chr2:178,529,996, C>T on the plus strand (G>A on the coding strand, the complement: TTN is on the minus strand). VCF-style: chr2-178529996-C-T. GRCh37 (hg19) VCF-style: chr2-179394723-C-T.
Other names: c.101572G>A, p.Gly33858Arg (NM_001256850.1); c.79300G>A, p.Gly26434Arg (NM_003319.4); c.98791G>A, p.Gly32931Arg (NM_133378.4); c.79675G>A, p.Gly26559Arg (NM_133432.3); c.79876G>A, p.Gly26626Arg (NM_133437.4); short protein forms G26626R, G32931R, G26434R, G26559R, G33858R, G35499R.
Identifiers: ClinVar variation 854512 (VCV000854512.1), dbSNP rs779794234, ClinGen allele CA60952974.